The following is an entry in ClinVar:

NM_001033046.4(CYBC1):c.154G>A (p.Val52Ile)

Gene: CYBC1 (cytochrome b-245 chaperone 1; minus strand). Cytogenetic location: 17q25.3.
Variant type: single nucleotide variant.
Coding change: c.154G>A on transcript NM_001033046.4 (MANE Select); coding-DNA position 154, G replaced by A.
Protein change: p.Val52Ile; replaces valine 52 with isoleucine.
Molecular consequence: missense variant. On other transcripts: non-coding transcript variant (2).
Genome position (GRCh38, 1-based): chr17:82,446,670, C>T on the plus strand (G>A on the coding strand, the complement: CYBC1 is on the minus strand). VCF-style: chr17-82446670-C-T. GRCh37 (hg19) VCF-style: chr17-80404546-C-T.
Other names: c.154G>A, p.Val52Ile (NM_001100407.3, NM_001193653.2, NM_001193654.2 and 2 more transcripts); c.112G>A, p.Val38Ile (NM_001100408.3); short protein forms V38I, V52I.
Identifiers: ClinVar variation 1167585 (VCV001167585.14), dbSNP rs140822873, ClinGen allele CA8858340.

ClinVar aggregate classification (germline): Benign. Review status: criteria provided, multiple submitters, no conflicts (2 of 4 stars). 3 submissions from 3 submitters: Benign (3). Last evaluated 2026-03-01.

Allele frequency attached by ClinVar (database versions not stated): gnomAD exomes 0.00088 and 0.00191; gnomAD 0.00107 and 0.00110; TOPMed 0.00114; ESP Exome Variant Server 0.00161; ExAC 0.00163.

Submissions (3):

CeGaT Center for Human Genetics Tuebingen
Classification: Benign. Last evaluated: 2026-03-01. Review status: criteria provided, single submitter. Criteria: CeGaT Center For Human Genetics Tuebingen Variant Classification Criteria Version 2. Collection method: clinical testing. Allele origin: germline. Affected: yes. Observed: 1 variant allele.
Comment: CYBC1: BS1, BS2

Labcorp Genetics (formerly Invitae), Labcorp
Classification: Benign. Last evaluated: 2026-02-03. Review status: criteria provided, single submitter. Criteria: Invitae Variant Classification Sherloc (09022015). Collection method: clinical testing. Allele origin: germline.

Breakthrough Genomics
Classification: Benign. Review status: criteria provided, single submitter. Criteria: ACMG Guidelines, 2015. Collection method: not provided. Allele origin: germline. Inheritance: Autosomal recessive inheritance. Affected: yes.